The following is an entry in ClinVar:

ClinVar aggregate classification (germline): Likely benign (1 of 4 stars; one submission).

Allele frequency attached by ClinVar (database versions not stated): TOPMed below 0.00001; gnomAD 0.00001; gnomAD exomes 0.00001.
gnomAD v4.1: 13 of 1,581,072 alleles (0.00082%); highest among the groups gnomAD compares: South Asian, 0.0023%; no homozygotes.

Submission:

CeGaT Center for Human Genetics Tuebingen
Classification: Likely benign. Last evaluated: 2023-02-01. Review status: criteria provided, single submitter. Criteria: CeGaT Center For Human Genetics Tuebingen Variant Classification Criteria Version 2. Collection method: clinical testing. Allele origin: germline. Affected: yes. Observed: 1 variant allele.
Comment: CELSR2: BP4, BP7

NM_001408.3(CELSR2):c.4374A>G (p.Lys1458=)

Gene: CELSR2 (cadherin EGF LAG seven-pass G-type receptor 2; plus strand). Cytogenetic location: 1p13.3.
Variant type: single nucleotide variant.
Coding change: c.4374A>G on transcript NM_001408.3 (MANE Select); coding-DNA position 4374, A replaced by G.
Protein change: p.Lys1458=; no amino-acid change (lysine 1458 retained).
Molecular consequence: synonymous variant.
Genome position (GRCh38, 1-based): chr1:109,261,884, A>G. VCF-style: chr1-109261884-A-G. GRCh37 (hg19) VCF-style: chr1-109804506-A-G.
Identifiers: ClinVar variation 2638970 (VCV002638970.24), dbSNP rs1181354805, ClinGen allele CA419356943.
Genomic context (GRCh38, chr1:109,261,884, plus strand): 5'-GGTGTCCCCATTCGTGCCCGGAGGAGTCAGTGATGGCCAGTGGCATACGGTGCAGCTGAA[A>G]TACTACAATAAGGTGGGTGTGGAGGGCACAGAGGGTTGGGGGTTCTGTTCTTGCCTCAGG-3'
Protein context (NP_001399.1, residues 1448-1468): SDGQWHTVQL[Lys1458=]YYNKPLLGQT